The following is an entry in ClinVar:

NM_177438.3(DICER1):c.1473C>G (p.Asn491Lys)

Gene: DICER1 (dicer 1, ribonuclease III; minus strand). Cytogenetic location: 14q32.13.
Variant type: single nucleotide variant.
Coding change: c.1473C>G on transcript NM_177438.3 (MANE Select); coding-DNA position 1473, C replaced by G.
Protein change: p.Asn491Lys; replaces asparagine 491 with lysine.
Molecular consequence: missense variant. On other transcripts: 5 prime UTR variant (1), non-coding transcript variant (6).
Genome position (GRCh38, 1-based): chr14:95,117,658, G>C on the plus strand (C>G on the coding strand, the complement: DICER1 is on the minus strand). VCF-style: chr14-95117658-G-C. GRCh37 (hg19) VCF-style: chr14-95583995-G-C.
Other names: c.1473C>G, p.Asn491Lys (NM_001395692.1, NM_001395693.1, NM_001395694.1 and 12 more transcripts); c.1068C>G, p.Asn356Lys (NM_001395696.1, NM_001395698.1, NM_001395687.1 and 3 more transcripts); c.-96C>G (NM_001395697.1); c.1191C>G, p.Asn397Lys (NM_001395686.1); c.906C>G, p.Asn302Lys (NM_001395691.1); short protein forms N302K, N356K, N397K, N491K.
Identifiers: ClinVar variation 4746804 (VCV004746804.1).

ClinVar aggregate classification (germline): Uncertain significance (1 of 4 stars; one submission).

Conditions:
DICER1-related tumor predisposition. Also called: DICER1-related pleuropulmonary blastoma cancer predisposition syndrome; DICER1 syndrome. Identifiers: Orphanet 284343, MedGen C3839822, MONDO:0100216.

Submission:

Labcorp Genetics (formerly Invitae), Labcorp
Classification: Uncertain significance for DICER1-related tumor predisposition. Last evaluated: 2025-07-10. Review status: criteria provided, single submitter. Criteria: Invitae Variant Classification Sherloc (09022015). Collection method: clinical testing. Allele origin: germline.
Comment: This sequence change replaces asparagine, which is neutral and polar, with lysine, which is basic and polar, at codon 491 of the DICER1 protein (p.Asn491Lys). This variant is not present in population databases (gnomAD no frequency). This variant has not been reported in the literature in individuals affected with DICER1-related conditions. Invitae Evidence Modeling of protein sequence and biophysical properties (such as structural, functional, and spatial information, amino acid conservation, physicochemical variation, residue mobility, and thermodynamic stability) indicates that this missense variant is not expected to disrupt DICER1 protein function with a negative predictive value of 95%. In summary, the available evidence is currently insufficient to determine the role of this variant in disease. Therefore, it has been classified as a Variant of Uncertain Significance.